The following is an entry in ClinVar:

NM_004006.3(DMD):c.8581G>A (p.Val2861Ile)

Gene: DMD (dystrophin; minus strand). Cytogenetic location: Xp21.2.
Variant type: single nucleotide variant.
Coding change: c.8581G>A on transcript NM_004006.3 (MANE Select); coding-DNA position 8581, G replaced by A.
Protein change: p.Val2861Ile; replaces valine 2861 with isoleucine.
Molecular consequence: missense variant.
Genome position (GRCh38, 1-based): chrX:31,479,070, C>T on the plus strand (G>A on the coding strand, the complement: DMD is on the minus strand). VCF-style: chrX-31479070-C-T. GRCh37 (hg19) VCF-style: chrX-31497187-C-T.
Other names: c.8557G>A, p.Val2853Ile (NM_000109.4); c.8569G>A, p.Val2857Ile (NM_004009.3); c.8212G>A, p.Val2738Ile (NM_004010.3); c.4558G>A, p.Val1520Ile (NM_004011.4); c.4549G>A, p.Val1517Ile (NM_004012.4); c.1201G>A, p.Val401Ile (NM_004013.3, NM_004020.4, NM_004021.3 and 2 more transcripts); c.394G>A, p.Val132Ile (NM_004014.3); short protein forms V132I, V1517I, V1520I, V2738I, V2853I, V2857I, V2861I, V401I.
Identifiers: ClinVar variation 1011748 (VCV001011748.8), dbSNP rs768803843, ClinGen allele CA10378031.

ClinVar aggregate classification (germline): Uncertain significance (1 of 4 stars; one submission).

Conditions:
Duchenne muscular dystrophy (DMD). Also called: MUSCULAR DYSTROPHY, PSEUDOHYPERTROPHIC PROGRESSIVE, DUCHENNE TYPE; Duchenne Muscular Dystrophy (DMD). Identifiers: Orphanet 98896, MedGen C0013264, MONDO:0010679, OMIM 310200.

Allele frequency attached by ClinVar (database versions not stated): gnomAD exomes below 0.00001 and 0.00001; ExAC 0.00001.
gnomAD v4.1: 2 of 1,209,568 alleles (0.00017%); highest among the groups gnomAD compares: East Asian, 0.003%; no homozygotes.

Submission:

Labcorp Genetics (formerly Invitae), Labcorp
Classification: Uncertain significance for Duchenne muscular dystrophy. Last evaluated: 2020-08-21. Review status: criteria provided, single submitter. Criteria: Invitae Variant Classification Sherloc (09022015). Collection method: clinical testing. Allele origin: germline.
Comment: In summary, the available evidence is currently insufficient to determine the role of this variant in disease. Therefore, it has been classified as a Variant of Uncertain Significance. Algorithms developed to predict the effect of missense changes on protein structure and function (SIFT, PolyPhen-2, Align-GVGD) all suggest that this variant is likely to be tolerated, but these predictions have not been confirmed by published functional studies and their clinical significance is uncertain. This variant has not been reported in the literature in individuals with DMD-related conditions. This variant is present in population databases (rs768803843, ExAC 0.002%). This sequence change replaces valine with isoleucine at codon 2861 of the DMD protein (p.Val2861Ile). The valine residue is highly conserved and there is a small physicochemical difference between valine and isoleucine.